The following is an entry in ClinVar:

NM_012208.4(HARS2):c.980G>A (p.Arg327Gln)

Gene: HARS2 (histidyl-tRNA synthetase 2, mitochondrial; plus strand). Cytogenetic location: 5q31.3.
Variant type: single nucleotide variant.
Coding change: c.980G>A on transcript NM_012208.4 (MANE Select); coding-DNA position 980, G replaced by A.
Protein change: p.Arg327Gln; replaces arginine 327 with glutamine.
Molecular consequence: missense variant.
Genome position (GRCh38, 1-based): chr5:140,697,189, G>A. VCF-style: chr5-140697189-G-A. GRCh37 (hg19) VCF-style: chr5-140076774-G-A.
Other names: c.905G>A, p.Arg302Gln (NM_001278731.2); c.548G>A, p.Arg183Gln (NM_001278732.2); c.998G>A, p.Arg333Gln (NM_001363535.2); c.770G>A, p.Arg257Gln (NM_001363536.2); short protein forms R327Q, R183Q, R257Q, R302Q, R333Q.
Identifiers: ClinVar variation 633639 (VCV000633639.5), dbSNP rs778499309, ClinGen allele CA128343847.

ClinVar aggregate classification (germline): Uncertain significance. Review status: criteria provided, single submitter (1 of 4 stars). 2 submissions from 2 submitters: Uncertain significance (1). 1 of the submissions does not count toward it. Last evaluated 2025-10-05.

Conditions:
Perrault syndrome 2 (PRLTS2). Identifiers: Orphanet 2855, Orphanet 642976, MedGen C3554105, MONDO:0013972, OMIM 614926.

Allele frequency attached by ClinVar (database versions not stated): TOPMed 0.00001.
gnomAD v4.1: 12 of 1,614,136 alleles (0.00074%); highest among the groups gnomAD compares: East Asian, 0.0045%; no homozygotes.

Submissions (2):

Dasa
Classification: Uncertain significance. Last evaluated: 2025-10-05. Review status: criteria provided, single submitter. Criteria: DASA Assertion Criteria. Collection method: clinical testing. Allele origin: germline.
Comment: NM_012208.4(HARS2):c.980G>A (p.Arg327Gln) is a missense variant that results in the substitution of arginine with glutamine. This variant is rare in population databases. Computational prediction algorithms are consistent with a deleterious effect. The currently available literature and clinical evidence are not sufficient to establish a definitive association between this variant and the reported condition. Therefore, this variant is classified as a variant of uncertain significance.

Department of Clinical Genetics, Copenhagen University Hospital, Rigshospitalet
Classification: Likely pathogenic for Perrault syndrome 2. Last evaluated: 2019-05-20. Review status: no assertion criteria provided. Collection method: clinical testing. Allele origin: paternal. Not counted in ClinVar's aggregate classification.